The following is an entry in ClinVar:

NM_007118.4(TRIO):c.5668-983G>A

Gene: TRIO (trio Rho guanine nucleotide exchange factor; plus strand). Cytogenetic location: 5p15.2.
Variant type: single nucleotide variant.
Coding change: c.5668-983G>A on transcript NM_007118.4 (MANE Select); 983 bases into the intron before coding-DNA position 5668, G replaced by A.
Molecular consequence: intron variant.
Genome position (GRCh38, 1-based): chr5:14,464,562, G>A. VCF-style: chr5-14464562-G-A. GRCh37 (hg19) VCF-style: chr5-14464671-G-A.
Identifiers: ClinVar variation 4822668 (VCV004822668.4).
Genomic context (GRCh38, chr5:14,464,562, plus strand): 5'-CTGCAGCATTATGTTGATTTGTGTTCTGTGTCTGTTTTGGCTCAATTTCCTTACCTTTCC[G>A]TTTGAATTTTTTTCTTTGTTTTCTTCACCCCATATTCCAAATGTCATTAGACCAAACCAA-3'

ClinVar aggregate classification (germline): Likely benign (1 of 4 stars; one submission).

gnomAD v4.1: 9 of 152,010 alleles (0.0059%); highest among the groups gnomAD compares: Middle Eastern, 0.34%; no homozygotes.

Submission:

CeGaT Center for Human Genetics Tuebingen
Classification: Likely benign. Last evaluated: 2026-02-01. Review status: criteria provided, single submitter. Criteria: CeGaT Center For Human Genetics Tuebingen Variant Classification Criteria Version 2. Collection method: clinical testing. Allele origin: germline. Affected: yes. Observed: 1 variant allele.
Comment: TRIO: BS2